The following is an entry in ClinVar:

NM_001349253.2(SCN11A):c.5047A>G (p.Met1683Val)

Gene: SCN11A (sodium voltage-gated channel alpha subunit 11; minus strand). Cytogenetic location: 3p22.2.
Variant type: single nucleotide variant.
Coding change: c.5047A>G on transcript NM_001349253.2 (MANE Select); coding-DNA position 5047, A replaced by G.
Protein change: p.Met1683Val; replaces methionine 1683 with valine.
Molecular consequence: missense variant.
Genome position (GRCh38, 1-based): chr3:38,847,023, T>C on the plus strand (A>G on the coding strand, the complement: SCN11A is on the minus strand). VCF-style: chr3-38847023-T-C. GRCh37 (hg19) VCF-style: chr3-38888514-T-C.
Other names: c.5047A>G, p.Met1683Val (NM_014139.3); short protein forms M1683V.
Identifiers: ClinVar variation 5041848 (VCV005041848.1).

ClinVar aggregate classification (germline): Uncertain significance (1 of 4 stars; one submission).

Submission:

CeGaT Center for Human Genetics Tuebingen
Classification: Uncertain significance. Last evaluated: 2026-09-01. Review status: criteria provided, single submitter. Criteria: CeGaT Center For Human Genetics Tuebingen Variant Classification Criteria Version 2. Collection method: clinical testing. Allele origin: germline. Affected: yes. Observed: 1 variant allele.
Comment: SCN11A: PM2